The following is an entry in ClinVar:

NM_006649.4(UTP14A):c.1530G>A (p.Thr510=)

Genes: UTP14A (UTP14A small subunit processome component; plus strand), LOC105373335 (uncharacterized LOC105373335; minus strand). Cytogenetic location: Xq26.1.
Variant type: single nucleotide variant.
Coding change: c.1530G>A on transcript NM_006649.4 (MANE Select); coding-DNA position 1530, G replaced by A.
Protein change: p.Thr510=; no amino-acid change (threonine 510 retained).
Molecular consequence: synonymous variant.
Genome position (GRCh38, 1-based): chrX:129,924,976, G>A. VCF-style: chrX-129924976-G-A. GRCh37 (hg19) VCF-style: chrX-129058952-G-A.
Other names: c.1374G>A, p.Thr458= (NM_001166221.2).
Identifiers: ClinVar variation 2661407 (VCV002661407.24), dbSNP rs201176828, ClinGen allele CA10513910.

ClinVar aggregate classification (germline): Likely benign (1 of 4 stars; one submission).

Allele frequency attached by ClinVar (database versions not stated): ExAC 0.00002; gnomAD 0.00002; TOPMed 0.00002; 1000 Genomes Project 0.00026; 1000 Genomes Project 30x 0.00042.

Submission:

CeGaT Center for Human Genetics Tuebingen
Classification: Likely benign. Last evaluated: 2022-03-01. Review status: criteria provided, single submitter. Criteria: CeGaT Center For Human Genetics Tuebingen Variant Classification Criteria Version 2. Collection method: clinical testing. Allele origin: germline. Affected: yes. Observed: 1 variant allele.
Comment: UTP14A: BP4, BP7